The following is an entry in ClinVar:

ClinVar aggregate classification (germline): Uncertain significance. Review status: criteria provided, multiple submitters, no conflicts (2 of 4 stars). 2 submissions from 2 submitters: Uncertain significance (2). Last evaluated 2023-08-01.

Conditions:
RASA2-related disorder. Also called: RASA2-related condition.

Allele frequency attached by ClinVar (database versions not stated): ExAC 0.00001; TOPMed 0.00002; gnomAD 0.00003; ESP Exome Variant Server 0.00008.

Submissions (2):

PreventionGenetics, part of Exact Sciences
Classification: Uncertain significance for RASA2-related condition. Last evaluated: 2023-08-01. Review status: criteria provided, single submitter. Criteria: ACMG Guidelines, 2015. Collection method: clinical testing. Allele origin: germline.
Comment: The RASA2 c.2008A>C variant is predicted to result in the amino acid substitution p.Ser670Arg. To our knowledge, this variant has not been reported in the literature. This variant is reported in 0.0084% of alleles in individuals of African descent in gnomAD. At this time, the clinical significance of this variant is uncertain due to the absence of conclusive functional and genetic evidence.

Ambry Genetics
Classification: Uncertain significance. Last evaluated: 2021-09-26. Review status: criteria provided, single submitter. Criteria: Ambry Variant Classification Scheme 2023. Collection method: clinical testing. Allele origin: germline.
Comment: The p.S666R variant (also known as c.1996A>C), located in coding exon 20 of the RASA2 gene, results from an A to C substitution at nucleotide position 1996. The serine at codon 666 is replaced by arginine, an amino acid with dissimilar properties. This amino acid position is conserved. In addition, the in silico prediction for this alteration is inconclusive. Since supporting evidence is limited at this time, the clinical significance of this alteration remains unclear.

NM_006506.5(RASA2):c.1996A>C (p.Ser666Arg)

Gene: RASA2 (RAS p21 protein activator 2; plus strand). Cytogenetic location: 3q23.
Variant type: single nucleotide variant.
Coding change: c.1996A>C on transcript NM_006506.5 (MANE Select); coding-DNA position 1996, A replaced by C.
Protein change: p.Ser666Arg; replaces serine 666 with arginine.
Molecular consequence: missense variant.
Genome position (GRCh38, 1-based): chr3:141,607,740, A>C. VCF-style: chr3-141607740-A-C. GRCh37 (hg19) VCF-style: chr3-141326582-A-C.
Other names: c.1999A>C, p.Ser667Arg (NM_001303245.3); c.2008A>C, p.Ser670Arg (NM_001303246.3); c.2008A>C (NM_001303246.1); short protein forms S666R, S667R, S670R.
Identifiers: ClinVar variation 1784049 (VCV001784049.3), dbSNP rs372126702, ClinGen allele CA2645699.
Genomic context (GRCh38, chr3:141,607,740, plus strand): 5'-AAAGATGCAATCTACACAATCCCAGTAAAAAACATTCTTGCTGTGGAAAAACTGGAAGAG[A>C]GCTCTTTCAACAAGAAAAATGTAAGTTATGTAAATAAATATTTAAAGCTTTCTGAACTGC-3'
Protein context (NP_006497.2, residues 656-676): NILAVEKLEE[Ser666Arg]SFNKKNMFQV